The following is an entry in ClinVar:

ClinVar aggregate classification (germline): Uncertain significance (1 of 4 stars; one submission).

Conditions:
Hereditary cancer-predisposing syndrome. Also called: Tumor predisposition; Hereditary neoplastic syndrome; Hereditary Cancer Syndrome; Neoplastic Syndromes, Hereditary. Identifiers: Orphanet 140162, MedGen C0027672, MeSH D009386, MONDO:0015356.

Submission:

Ambry Genetics
Classification: Uncertain significance for Hereditary cancer-predisposing syndrome. Last evaluated: 2025-03-29. Review status: criteria provided, single submitter. Criteria: Ambry Variant Classification Scheme 2023. Collection method: clinical testing. Allele origin: germline.
Comment: The p.I218M variant (also known as c.654T>G), located in coding exon 7 of the POLE gene, results from a T to G substitution at nucleotide position 654. The isoleucine at codon 218 is replaced by methionine, an amino acid with highly similar properties. This amino acid position is conserved. In addition, this alteration is predicted to be tolerated by in silico analysis. Based on the available evidence, the clinical significance of this variant remains unclear.

NM_006231.4(POLE):c.654T>G (p.Ile218Met)

Gene: POLE (DNA polymerase epsilon, catalytic subunit; minus strand). Cytogenetic location: 12q24.33.
Variant type: single nucleotide variant.
Coding change: c.654T>G on transcript NM_006231.4 (MANE Select); coding-DNA position 654, T replaced by G.
Protein change: p.Ile218Met; replaces isoleucine 218 with methionine.
Molecular consequence: missense variant.
Genome position (GRCh38, 1-based): chr12:132,677,644, A>C on the plus strand (T>G on the coding strand, the complement: POLE is on the minus strand). VCF-style: chr12-132677644-A-C. GRCh37 (hg19) VCF-style: chr12-133254230-A-C.
Other names: short protein forms I218M.
Identifiers: ClinVar variation 3935662 (VCV003935662.1).
Genomic context (GRCh38, chr12:132,677,644, plus strand): 5'-GATCTTCAGGTCAATGGAGAGGCGGATGTGGTAGGGAACATCGTACTCGCGCATGTCCAC[A>C]ATGTTGTCCAACTGGTCAGCTATCTTCTTAGAGGTTTCCTCTTCATCAGTAATGACACCG-3'
Protein context (NP_006222.2, residues 208-228): SKKIADQLDN[Ile218Met]VDMREYDVPY